The following is an entry in ClinVar:

ClinVar aggregate classification (germline): Likely benign (0 of 4 stars; one submission).

Conditions:
TNC-related disorder. Also called: TNC-related condition.

Allele frequency attached by ClinVar (database versions not stated): TOPMed 0.00001; ExAC 0.00002; gnomAD 0.00002; gnomAD exomes 0.00003; ESP Exome Variant Server 0.00008.
gnomAD v4.1: 40 of 1,613,840 alleles (0.0025%); highest among the groups gnomAD compares: Non-Finnish European, 0.0034%; no homozygotes.

Submission:

PreventionGenetics, part of Exact Sciences
Classification: Likely benign for TNC-related condition. Last evaluated: 2019-06-21. Review status: no assertion criteria provided. Collection method: clinical testing. Allele origin: germline.
Comment: This variant is classified as likely benign based on ACMG/AMP sequence variant interpretation guidelines (Richards et al. 2015 PMID: 25741868, with internal and published modifications).

NM_002160.4(TNC):c.2463C>T (p.Ile821=)

Gene: TNC (tenascin C; minus strand). Cytogenetic location: 9q33.1.
Variant type: single nucleotide variant.
Coding change: c.2463C>T on transcript NM_002160.4 (MANE Select); coding-DNA position 2463, C replaced by T.
Protein change: p.Ile821=; no amino-acid change (isoleucine 821 retained).
Molecular consequence: synonymous variant.
Genome position (GRCh38, 1-based): chr9:115,078,154, G>A on the plus strand (C>T on the coding strand, the complement: TNC is on the minus strand). VCF-style: chr9-115078154-G-A. GRCh37 (hg19) VCF-style: chr9-117840433-G-A.
Other names: c.2463C>T, p.Ile821= (NM_001410991.1).
Identifiers: ClinVar variation 3042846 (VCV003042846.2), dbSNP rs369449631, ClinGen allele CA5208514.